The following is an entry in ClinVar:

ClinVar aggregate classification (germline): Uncertain significance. Review status: criteria provided, multiple submitters, no conflicts (2 of 4 stars). 2 submissions from 2 submitters: Uncertain significance (2). Last evaluated 2024-06-13.

Conditions:
Inborn genetic diseases. Identifiers: MedGen C0950123, MeSH D030342.

Allele frequency attached by ClinVar (database versions not stated): gnomAD exomes 0.00001; gnomAD 0.00003; TOPMed 0.00003.

Submissions (2):

Ambry Genetics
Classification: Uncertain significance for Inborn genetic diseases. Last evaluated: 2024-06-13. Review status: criteria provided, single submitter. Criteria: Ambry Variant Classification Scheme 2023. Collection method: clinical testing. Allele origin: germline.

GeneDx
Classification: Uncertain significance. Last evaluated: 2023-02-15. Review status: criteria provided, single submitter. Criteria: GeneDx Variant Classification Process June 2021. Collection method: clinical testing. Allele origin: germline. Affected: yes.
Comment: Not observed at significant frequency in large population cohorts (gnomAD); In silico analysis supports that this missense variant does not alter protein structure/function; Has not been previously published as pathogenic or benign to our knowledge

NM_001128228.3(TPRN):c.1945C>T (p.Arg649Trp)

Gene: TPRN (taperin; minus strand). Cytogenetic location: 9q34.3.
Variant type: single nucleotide variant.
Coding change: c.1945C>T on transcript NM_001128228.3 (MANE Select); coding-DNA position 1945, C replaced by T.
Protein change: p.Arg649Trp; replaces arginine 649 with tryptophan.
Molecular consequence: missense variant.
Genome position (GRCh38, 1-based): chr9:137,192,472, G>A on the plus strand (C>T on the coding strand, the complement: TPRN is on the minus strand). VCF-style: chr9-137192472-G-A. GRCh37 (hg19) VCF-style: chr9-140086924-G-A.
Other names: short protein forms R649W.
Identifiers: ClinVar variation 2576840 (VCV002576840.2), dbSNP rs751800915, ClinGen allele CA5362585.